The following is an entry in ClinVar:

ClinVar aggregate classification (germline): Likely pathogenic (1 of 4 stars; one submission).

Conditions:
Dilated cardiomyopathy 1G (CMD1G). Identifiers: Orphanet 154, MedGen C1858763, MONDO:0011400, OMIM 604145.
Autosomal recessive limb-girdle muscular dystrophy type 2J (LGMDR10). Also called: MUSCULAR DYSTROPHY, LIMB-GIRDLE, AUTOSOMAL RECESSIVE 10; Limb-girdle muscular dystrophy, type 2J. Identifiers: Orphanet 140922, MedGen C1837342, MONDO:0012127, OMIM 608807.

Submission:

Labcorp Genetics (formerly Invitae), Labcorp
Classification: Likely pathogenic for Dilated cardiomyopathy 1G; Autosomal recessive limb-girdle muscular dystrophy type 2J. Last evaluated: 2022-04-17. Review status: criteria provided, single submitter. Criteria: Invitae Variant Classification Sherloc (09022015). Collection method: clinical testing. Allele origin: germline.
Comment: In summary, the currently available evidence indicates that the variant is pathogenic, but additional data are needed to prove that conclusively. Therefore, this variant has been classified as Likely Pathogenic. This variant is located in the A band of TTN (PMID: 25589632). Truncating variants in this region are significantly overrepresented in patients affected with dilated cardiomyopathy (PMID: 25589632). Truncating variants in this region have also been reported in individuals affected with autosomal recessive centronuclear myopathy (PMID: 23975875). Algorithms developed to predict the effect of sequence changes on RNA splicing suggest that this variant may disrupt the consensus splice site. This variant has not been reported in the literature in individuals affected with TTN-related conditions. This variant is not present in population databases (gnomAD no frequency). This sequence change affects a donor splice site in intron 262 of the TTN gene. It is expected to disrupt RNA splicing and likely results in a truncated or disrupted TTN protein.

Literature cited by the submitters: PubMed 25589632; PubMed 23975875.

NM_001267550.2(TTN):c.49345+1G>T

Genes: TTN (titin; minus strand), TTN-AS1 (TTN antisense RNA 1; plus strand). Cytogenetic location: 2q31.2.
Variant type: single nucleotide variant.
Coding change: c.49345+1G>T on transcript NM_001267550.2 (MANE Select); the canonical splice donor site of the intron after coding-DNA position 49345, G replaced by T.
Molecular consequence: splice donor variant. On other transcripts: non-coding transcript variant (1).
Genome position (GRCh38, 1-based): chr2:178,614,051, C>A on the plus strand (G>T on the coding strand, the complement: TTN is on the minus strand). VCF-style: chr2-178614051-C-A. GRCh37 (hg19) VCF-style: chr2-179478778-C-A.
Other names: c.22150+1G>T (NM_003319.4); c.22726+1G>T (NM_133437.4); c.22525+1G>T (NM_133432.3); c.41641+1G>T (NM_133378.4); c.44422+1G>T (NM_001256850.1).
Identifiers: ClinVar variation 2421754 (VCV002421754.9), dbSNP rs2056846558, ClinGen allele CA349605147.
Genomic context (GRCh38, chr2:178,614,051, plus strand): 5'-ACCAAAATGCAAGTTTGACATAAGCATCCTTTTTTTTTTATCAGCTGATTGAGAAACTTA[C>A]CAAACTGATATTTGGCTGTTATTGGAGAGGCCTGAACTGGTTCACCAACACCATACATGT-3'